The following is an entry in ClinVar:

ClinVar aggregate classification (germline): Uncertain significance (1 of 4 stars; one submission).

Allele frequency attached by ClinVar (database versions not stated): gnomAD 0.00001; TOPMed 0.00002.
gnomAD v4.1: 14 of 1,611,738 alleles (0.00087%); highest among the groups gnomAD compares: African/African-American, 0.0013%; no homozygotes.

Submission:

Labcorp Genetics (formerly Invitae), Labcorp
Classification: Uncertain significance. Last evaluated: 2024-10-31. Review status: criteria provided, single submitter. Criteria: Invitae Variant Classification Sherloc (09022015). Collection method: clinical testing. Allele origin: germline.
Comment: This sequence change replaces proline, which is neutral and non-polar, with leucine, which is neutral and non-polar, at codon 214 of the MDH2 protein (p.Pro214Leu). This variant is not present in population databases (gnomAD no frequency). This variant has not been reported in the literature in individuals affected with MDH2-related conditions. ClinVar contains an entry for this variant (Variation ID: 1391135). Invitae Evidence Modeling of protein sequence and biophysical properties (such as structural, functional, and spatial information, amino acid conservation, physicochemical variation, residue mobility, and thermodynamic stability) indicates that this missense variant is not expected to disrupt MDH2 protein function with a negative predictive value of 80%. In summary, the available evidence is currently insufficient to determine the role of this variant in disease. Therefore, it has been classified as a Variant of Uncertain Significance.

NM_005918.4(MDH2):c.641C>T (p.Pro214Leu)

Gene: MDH2 (malate dehydrogenase 2; plus strand). Cytogenetic location: 7q11.23.
Variant type: single nucleotide variant.
Coding change: c.641C>T on transcript NM_005918.4 (MANE Select); coding-DNA position 641, C replaced by T.
Protein change: p.Pro214Leu; replaces proline 214 with leucine.
Molecular consequence: missense variant.
Genome position (GRCh38, 1-based): chr7:76,064,346, C>T. VCF-style: chr7-76064346-C-T. GRCh37 (hg19) VCF-style: chr7-75693664-C-T.
Other names: c.515C>T, p.Pro172Leu (NM_001282403.2); c.320C>T, p.Pro107Leu (NM_001282404.2); short protein forms P214L, P172L, P107L.
Identifiers: ClinVar variation 1391135 (VCV001391135.7), dbSNP rs146302743, ClinGen allele CA160913338.